The following is an entry in ClinVar:

ClinVar aggregate classification (germline): Uncertain significance. Review status: criteria provided, multiple submitters, no conflicts (2 of 4 stars). 6 submissions from 6 submitters: Uncertain significance (6). Last evaluated 2026-09-11.

Conditions:
MYO3A-related disorder. Also called: MYO3A-related condition.
Autosomal recessive nonsyndromic hearing loss 30. Identifiers: Orphanet 90636, MedGen C1846784, MONDO:0011774, OMIM 607101.

Allele frequency attached by ClinVar (database versions not stated): gnomAD 0.00011; gnomAD exomes 0.00013 and 0.00023; TOPMed 0.00016; ExAC 0.00022; ESP Exome Variant Server 0.00023; 1000 Genomes Project 30x 0.00031; 1000 Genomes Project 0.00040.
gnomAD v4.1: 216 of 1,613,998 alleles (0.013%); highest among the groups gnomAD compares: Middle Eastern, 0.4%; 1 homozygote.

Submissions (6):

PreventionGenetics, part of Exact Sciences
Classification: Uncertain significance for MYO3A-related condition. Last evaluated: 2026-09-11. Review status: criteria provided, single submitter. Criteria: ACMG Guidelines, 2015. Collection method: clinical testing. Allele origin: germline.
Comment: The MYO3A c.1525T>C variant is predicted to result in the amino acid substitution p.Tyr509His. To our knowledge, this variant has not been reported in the literature. This variant is reported in 0.065% of alleles in individuals of South Asian descent in gnomAD. Although we suspect that this variant may be benign, at this time, the clinical significance of this variant is uncertain due to the absence of conclusive functional and genetic evidence.

Labcorp Genetics (formerly Invitae), Labcorp
Classification: Uncertain significance. Last evaluated: 2025-04-12. Review status: criteria provided, single submitter. Criteria: Invitae Variant Classification Sherloc (09022015). Collection method: clinical testing. Allele origin: germline.
Comment: This sequence change replaces tyrosine, which is neutral and polar, with histidine, which is basic and polar, at codon 509 of the MYO3A protein (p.Tyr509His). This variant is present in population databases (rs150793986, gnomAD 0.07%). This variant has not been reported in the literature in individuals affected with MYO3A-related conditions. ClinVar contains an entry for this variant (Variation ID: 228976). Invitae Evidence Modeling of protein sequence and biophysical properties (such as structural, functional, and spatial information, amino acid conservation, physicochemical variation, residue mobility, and thermodynamic stability) has been performed for this missense variant. However, the output from this modeling did not meet the statistical confidence thresholds required to predict the impact of this variant on MYO3A protein function. In summary, the available evidence is currently insufficient to determine the role of this variant in disease. Therefore, it has been classified as a Variant of Uncertain Significance.

GeneDx
Classification: Uncertain significance. Last evaluated: 2022-11-15. Review status: criteria provided, single submitter. Criteria: GeneDx Variant Classification Process June 2021. Collection method: clinical testing. Allele origin: germline. Affected: yes.
Comment: In silico analysis supports that this missense variant has a deleterious effect on protein structure/function; Has not been previously published as pathogenic or benign to our knowledge

Department of Pathology and Laboratory Medicine, Sinai Health System
Classification: Uncertain significance for Autosomal recessive nonsyndromic hearing loss 30. Last evaluated: 2021-07-30. Review status: criteria provided, single submitter. Criteria: ACMG Guidelines, 2015. Collection method: research. Allele origin: germline.

Laboratory for Molecular Medicine, Mass General Brigham Personalized Medicine
Classification: Uncertain significance. Last evaluated: 2017-12-21. Review status: criteria provided, single submitter. Criteria: LMM Criteria. Collection method: clinical testing. Allele origin: germline. Observed: 1 variant allele.
Comment: The p.Tyr509His variant in MYO3A has not been previously reported in individuals with hearing loss but has been identified in 10/16496 of South Asian chromosome s and 60/277060 all chromosomes including 1 homozygote by the Genome Aggregation Database (gnomAD; dbSNP rs150793986). Althoug h this variant has been seen in the general population, its frequency is not hig h enough to rule out a pathogenic role. Computational prediction tools and conse rvation analyses suggest that the p.Tyr509His variant may impact the protein, th ough this information is not predictive enough to determine pathogenicity. In su mmary, the clinical significance of the p.Tyr509His variant is uncertain. ACMG/A MP criteria applied: PP3.

Breakthrough Genomics
Classification: Uncertain significance. Review status: criteria provided, single submitter. Criteria: ACMG Guidelines, 2015. Collection method: not provided. Allele origin: germline. Inheritance: Autosomal recessive inheritance. Affected: yes.

Literature cited by the submitters: PubMed 12032315 (cited by Laboratory for Molecular Medicine, Mass General Brigham Personalized Medicine).

NM_017433.5(MYO3A):c.1525T>C (p.Tyr509His)

Gene: MYO3A (myosin IIIA; plus strand). Cytogenetic location: 10p12.1.
Variant type: single nucleotide variant.
Coding change: c.1525T>C on transcript NM_017433.5 (MANE Select); coding-DNA position 1525, T replaced by C.
Protein change: p.Tyr509His; replaces tyrosine 509 with histidine.
Molecular consequence: missense variant.
Genome position (GRCh38, 1-based): chr10:26,088,368, T>C. VCF-style: chr10-26088368-T-C. GRCh37 (hg19) VCF-style: chr10-26377297-T-C.
Other names: short protein forms Y509H.
Identifiers: ClinVar variation 228976 (VCV000228976.14), dbSNP rs150793986, ClinGen allele CA5444684.
Genomic context (GRCh38, chr10:26,088,368, plus strand): 5'-AAATACTTAGAAATGAAATTCACCTCTTCTGGAGCGGTAGTGGGAGCACAGATTTCTGAA[T>C]ATCTCCTGGAAAAATCCCGAGTTATCCACCAAGCTATGTAAGTTTATTTCAAATCTCTCC-3'
Protein context (NP_059129.3, residues 499-519): GAVVGAQISE[Tyr509His]LLEKSRVIHQ